The following is an entry in ClinVar:

NM_004304.5(ALK):c.3460G>C (p.Glu1154Gln)

Gene: ALK (ALK receptor tyrosine kinase; minus strand). Cytogenetic location: 2p23.2.
Variant type: single nucleotide variant.
Coding change: c.3460G>C on transcript NM_004304.5 (MANE Select); coding-DNA position 3460, G replaced by C.
Protein change: p.Glu1154Gln; replaces glutamic acid 1154 with glutamine.
Molecular consequence: missense variant.
Genome position (GRCh38, 1-based): chr2:29,222,399, C>G on the plus strand (G>C on the coding strand, the complement: ALK is on the minus strand). VCF-style: chr2-29222399-C-G. GRCh37 (hg19) VCF-style: chr2-29445265-C-G.
Other names: c.256G>C, p.Glu86Gln (NM_001353765.2); short protein forms E86Q, E1154Q.
Identifiers: ClinVar variation 654548 (VCV000654548.12), dbSNP rs1005846150, ClinGen allele CA44631230.

ClinVar aggregate classification (germline): Uncertain significance. Review status: criteria provided, multiple submitters, no conflicts (2 of 4 stars). 2 submissions from 2 submitters: Uncertain significance (2). Last evaluated 2023-06-28.

Conditions:
Hereditary cancer-predisposing syndrome. Also called: Neoplastic Syndromes, Hereditary; Hereditary neoplastic syndrome; Hereditary Cancer Syndrome; Tumor predisposition. Identifiers: Orphanet 140162, MedGen C0027672, MeSH D009386, MONDO:0015356.
Neuroblastoma, susceptibility to, 3. Also called: ALK-Related Neuroblastic Tumor Susceptibility. Identifiers: Orphanet 635, MedGen C2751681, MONDO:0013083, OMIM 613014.

gnomAD v4.1: 2 of 1,614,064 alleles (0.00012%); highest among the groups gnomAD compares: Non-Finnish European, 0.000085%; no homozygotes.

Submissions (2):

Ambry Genetics
Classification: Uncertain significance for Hereditary cancer-predisposing syndrome. Last evaluated: 2023-06-28. Review status: criteria provided, single submitter. Criteria: Ambry Variant Classification Scheme 2023. Collection method: clinical testing. Allele origin: germline.
Comment: The p.E1154Q variant (also known as c.3460G>C), located in coding exon 22 of the ALK gene, results from a G to C substitution at nucleotide position 3460. The glutamic acid at codon 1154 is replaced by glutamine, an amino acid with highly similar properties. This amino acid position is conserved. In addition, the in silico prediction for this alteration is inconclusive. Since supporting evidence is limited at this time, the clinical significance of this alteration remains unclear.

Labcorp Genetics (formerly Invitae), Labcorp
Classification: Uncertain significance for Neuroblastoma, susceptibility to, 3. Last evaluated: 2022-02-01. Review status: criteria provided, single submitter. Criteria: Invitae Variant Classification Sherloc (09022015). Collection method: clinical testing. Allele origin: germline.
Comment: This variant is not present in population databases (gnomAD no frequency). This sequence change replaces glutamic acid, which is acidic and polar, with glutamine, which is neutral and polar, at codon 1154 of the ALK protein (p.Glu1154Gln). In summary, the available evidence is currently insufficient to determine the role of this variant in disease. Therefore, it has been classified as a Variant of Uncertain Significance. Algorithms developed to predict the effect of missense changes on protein structure and function (SIFT, PolyPhen-2, Align-GVGD) all suggest that this variant is likely to be disruptive. ClinVar contains an entry for this variant (Variation ID: 654548). This variant has not been reported in the literature in individuals affected with ALK-related conditions.